The following is an entry in ClinVar:

NM_020810.3(TRMT5):c.25C>T (p.Pro9Ser)

Gene: TRMT5 (tRNA methyltransferase 5; minus strand). Cytogenetic location: 14q23.1.
Variant type: single nucleotide variant.
Coding change: c.25C>T on transcript NM_020810.3 (MANE Select); coding-DNA position 25, C replaced by T.
Protein change: p.Pro9Ser; replaces proline 9 with serine.
Molecular consequence: missense variant.
Genome position (GRCh38, 1-based): chr14:60,979,873, G>A on the plus strand (C>T on the coding strand, the complement: TRMT5 is on the minus strand). VCF-style: chr14-60979873-G-A. GRCh37 (hg19) VCF-style: chr14-61446591-G-A.
Other names: c.109C>T, p.Pro37Ser (NM_001350253.1); c.106C>T, p.Pro36Ser (NM_001350254.1); c.25C>T (NM_020810.2); short protein forms P36S, P37S, P9S.
Identifiers: ClinVar variation 2139707 (VCV002139707.3), dbSNP rs369855758, ClinGen allele CA7213998.

ClinVar aggregate classification (germline): Uncertain significance. Review status: criteria provided, multiple submitters, no conflicts (2 of 4 stars). 2 submissions from 2 submitters: Uncertain significance (2). Last evaluated 2023-05-03.

Conditions:
Inborn genetic diseases. Identifiers: MedGen C0950123, MeSH D030342.

Allele frequency attached by ClinVar (database versions not stated): gnomAD exomes 0.00001; ExAC 0.00003; ESP Exome Variant Server 0.00015.

Submissions (2):

Ambry Genetics
Classification: Uncertain significance for Inborn genetic diseases. Last evaluated: 2023-05-03. Review status: criteria provided, single submitter. Criteria: Ambry Variant Classification Scheme 2023. Collection method: clinical testing. Allele origin: germline.

Labcorp Genetics (formerly Invitae), Labcorp
Classification: Uncertain significance. Last evaluated: 2022-06-11. Review status: criteria provided, single submitter. Criteria: Invitae Variant Classification Sherloc (09022015). Collection method: clinical testing. Allele origin: germline.
Comment: This sequence change replaces proline, which is neutral and non-polar, with serine, which is neutral and polar, at codon 9 of the TRMT5 protein (p.Pro9Ser). The frequency data for this variant in the population databases is considered unreliable, as metrics indicate poor data quality at this position in the gnomAD database. This variant has not been reported in the literature in individuals affected with TRMT5-related conditions. Algorithms developed to predict the effect of missense changes on protein structure and function output the following: SIFT: "Tolerated"; PolyPhen-2: "Benign"; Align-GVGD: "Class C0". The serine amino acid residue is found in multiple mammalian species, which suggests that this missense change does not adversely affect protein function. Algorithms developed to predict the effect of sequence changes on RNA splicing suggest that this variant may create or strengthen a splice site. In summary, the available evidence is currently insufficient to determine the role of this variant in disease. Therefore, it has been classified as a Variant of Uncertain Significance.